The following is an entry in ClinVar:

NC_000008.10:g.(?_6264189)_(6303088_?)dup

Gene: MCPH1 (microcephalin 1; plus strand). Cytogenetic location: 8p23.1.
Variant type: Duplication.
Identifiers: ClinVar variation 2426844 (VCV002426844.3).

ClinVar aggregate classification (germline): Uncertain significance (1 of 4 stars; one submission).

Submission:

Labcorp Genetics (formerly Invitae), Labcorp
Classification: Uncertain significance. Last evaluated: 2022-06-02. Review status: criteria provided, single submitter. Criteria: Invitae Variant Classification Sherloc (09022015). Collection method: clinical testing. Allele origin: germline.
Comment: This variant results in a copy number gain of the genomic region encompassing exon(s) 1-8 of the MCPH1 gene. This region includes the initiator codon of the gene. This copy number gain extends beyond the assayed region for this gene and therefore may encompass additional genes. As the precise location of this event is unknown, it may be in tandem or it may be located elsewhere in the genome. This variant has not been reported in the literature in individuals affected with MCPH1-related conditions. In summary, the available evidence is currently insufficient to determine the role of this variant in disease. Therefore, it has been classified as a Variant of Uncertain Significance.